The following is an entry in ClinVar:

NM_025083.5(EDC3):c.949C>T (p.Leu317=)

Gene: EDC3 (enhancer of mRNA decapping 3; minus strand). Cytogenetic location: 15q24.1.
Variant type: single nucleotide variant.
Coding change: c.949C>T on transcript NM_025083.5 (MANE Select); coding-DNA position 949, C replaced by T.
Protein change: p.Leu317=; no amino-acid change (leucine 317 retained).
Molecular consequence: synonymous variant.
Genome position (GRCh38, 1-based): chr15:74,640,491, G>A on the plus strand (C>T on the coding strand, the complement: EDC3 is on the minus strand). VCF-style: chr15-74640491-G-A. GRCh37 (hg19) VCF-style: chr15-74932832-G-A.
Other names: c.949C>T, p.Leu317= (NM_001142443.3, NM_001142444.3, NM_001351378.2); c.514C>T, p.Leu172= (NM_001351379.2).
Identifiers: ClinVar variation 2645542 (VCV002645542.24), dbSNP rs899087700, ClinGen allele CA272802202.
Genomic context (GRCh38, chr15:74,640,491, plus strand): 5'-CCACATTGAGTCCCTGCCAGTTTATAGACATTTACCTGTTAGGTCCTCCGAGGAGGGTCA[G>A]TGCCATCTGACTGGCACACACACCTGTCATCTCCAGTCTCCGCTCAAGGGTCAGCCCATG-3'
Protein context (NP_079359.2, residues 307-327): MTGVCASQMA[Leu317=]TLLGGPNRLN

ClinVar aggregate classification (germline): Likely benign (1 of 4 stars; one submission).

Allele frequency attached by ClinVar (database versions not stated): gnomAD exomes 0.00001; TOPMed 0.00002; gnomAD 0.00003.
gnomAD v4.1: 17 of 1,614,078 alleles (0.0011%); highest among the groups gnomAD compares: Admixed American, 0.0033%; no homozygotes.

Submission:

CeGaT Center for Human Genetics Tuebingen
Classification: Likely benign. Last evaluated: 2022-09-01. Review status: criteria provided, single submitter. Criteria: CeGaT Center For Human Genetics Tuebingen Variant Classification Criteria Version 2. Collection method: clinical testing. Allele origin: germline. Affected: yes. Observed: 1 variant allele.
Comment: EDC3: BP4, BP7